The following is an entry in ClinVar:

ClinVar aggregate classification (germline): Uncertain significance (1 of 4 stars; one submission).

Submission:

Labcorp Genetics (formerly Invitae), Labcorp
Classification: Uncertain significance. Last evaluated: 2025-11-21. Review status: criteria provided, single submitter. Criteria: Invitae Variant Classification Sherloc (09022015). Collection method: clinical testing. Allele origin: germline.
Comment: This sequence change replaces threonine, which is neutral and polar, with lysine, which is basic and polar, at codon 63 of the LEMD3 protein (p.Thr63Lys). This variant is not present in population databases (gnomAD no frequency). This variant has not been reported in the literature in individuals affected with LEMD3-related conditions. An algorithm developed to predict the effect of missense changes on protein structure and function (PolyPhen-2) suggests that this variant is likely to be disruptive. In summary, the available evidence is currently insufficient to determine the role of this variant in disease. Therefore, it has been classified as a Variant of Uncertain Significance.

NM_014319.5(LEMD3):c.188C>A (p.Thr63Lys)

Gene: LEMD3 (LEM domain containing 3; plus strand). Cytogenetic location: 12q14.3.
Variant type: single nucleotide variant.
Coding change: c.188C>A on transcript NM_014319.5 (MANE Select); coding-DNA position 188, C replaced by A.
Protein change: p.Thr63Lys; replaces threonine 63 with lysine.
Molecular consequence: missense variant.
Genome position (GRCh38, 1-based): chr12:65,169,784, C>A. VCF-style: chr12-65169784-C-A. GRCh37 (hg19) VCF-style: chr12-65563564-C-A.
Other names: c.188C>A, p.Thr63Lys (NM_001167614.2); short protein forms T63K.
Identifiers: ClinVar variation 4804648 (VCV004804648.1).